The following is an entry in ClinVar:

ClinVar aggregate classification (germline): Pathogenic. Review status: reviewed by expert panel (3 of 4 stars). 2 submissions from 2 submitters: Pathogenic (1). 1 of the submissions does not count toward it. Last evaluated 2026-04-30.

Conditions:
Neuromuscular disease caused by qualitative or quantitative defects of dysferlin. Also called: Dysferlinopathy; Qualitative or quantitative defects of dysferlin. Identifiers: Orphanet 207073, MedGen C2931687, MONDO:0016145.
Autosomal recessive limb-girdle muscular dystrophy. Identifiers: Orphanet 102015, MedGen C2931907, MONDO:0015152.

Submissions (2):

ClinGen Limb Girdle Muscular Dystrophy Variant Curation Expert Panel, ClinGen
Classification: Pathogenic for Autosomal recessive limb-girdle muscular dystrophy. Last evaluated: 2026-04-30. Review status: reviewed by expert panel. Criteria: ClinGen LGMD VCEP ACMG Specifications DYSF V2.0.0. Collection method: curation. Allele origin: germline. Inheritance: Autosomal recessive inheritance.
Comment: The NM_003494.4: c.1278dup p.(Lys427GlufsTer47) variant in DYSF, which is also known as NM_001130987.2: c.1374dup p.(Lys459GlufsTer47), is a duplication expected to cause a frameshift, premature stop codon, and nonsense-mediated decay in a gene for which loss of function is an established mechanism of disease (PVS1). This variant has been identified in one individual with progressive muscle weakness, elevated serum creatine kinase, and suspected Miyoshi myopathy as well as absent dysferlin expression by blood monocyte assay, where it was identified in unconfirmed phase with a second presumed diagnostic DYSF variant (ClinVar SCV002975439.1, Jain Foundation Dysferlin Registry internal data communication; PP4_Strong, PM3_Supporting not met). It is absent from gnomAD v.4.1.0, meeting the criteria for PM2_Supporting. In summary, this variant meets criteria to be classified as Pathogenic for autosomal recessive limb girdle muscular dystrophy based on the ACMG/AMP criteria applied, as specified by the LGMD VCEP (specifications v2.0.0; 04/30/2026): PVS1, PP4_Strong, PM2_Supporting.

Labcorp Genetics (formerly Invitae), Labcorp
Classification: Pathogenic for Neuromuscular disease caused by qualitative or quantitative defects of dysferlin. Last evaluated: 2022-06-14. Review status: criteria provided, single submitter. Criteria: Invitae Variant Classification Sherloc (09022015). Collection method: clinical testing. Allele origin: germline. Not counted in ClinVar's aggregate classification.
Comment: This sequence change creates a premature translational stop signal (p.Lys427Glufs*47) in the DYSF gene. It is expected to result in an absent or disrupted protein product. Loss-of-function variants in DYSF are known to be pathogenic (PMID: 17698709, 20301480). This variant is not present in population databases (gnomAD no frequency). This variant has not been reported in the literature in individuals affected with DYSF-related conditions. For these reasons, this variant has been classified as Pathogenic.

Literature cited by the submitters: PubMed 17698709 (cited by Labcorp Genetics (formerly Invitae), Labcorp); PubMed 20301480 (cited by Labcorp Genetics (formerly Invitae), Labcorp).

NM_001130987.2(DYSF):c.1374dup (p.Lys459fs)

Gene: DYSF (dysferlin; plus strand). Cytogenetic location: 2p13.2.
Variant type: Duplication.
Coding change: c.1374dup on transcript NM_001130987.2 (MANE Select); coding-DNA position 1374, one base duplicated (G; older notation c.1374dupG).
Protein change: p.Lys459fs; shifts the reading frame from lysine 459.
Molecular consequence: frameshift variant.
Genome position (GRCh38, 1-based): chr2:71,528,395, G duplicated; the last of 4 consecutive G bases (chr2:71,528,392-71,528,395); duplicating any one gives the same sequence. VCF-style (leftmost placement, unchanged base first): chr2-71528391-C-CG. GRCh37 (hg19) VCF-style: chr2-71755521-C-CG.
Other names: NM_003494.4:c.1278dup; c.1281dup, p.Lys428fs (NM_001130455.2, NM_001130983.2, NM_001130984.2 and 1 more transcripts); c.1278dup, p.Lys427fs (NM_001130976.2, NM_001130977.2, NM_001130978.2 and 1 more transcripts); c.1371dup, p.Lys458fs (NM_001130979.2, NM_001130980.2, NM_001130981.2); c.1374dup, p.Lys459fs (NM_001130982.2, NM_001130985.2); short protein forms K458fs, K459fs, K428fs, K427fs.
Identifiers: ClinVar variation 2116162 (VCV002116162.5), dbSNP rs2545508940, ClinGen allele CA2580067902.